The following is an entry in ClinVar:

NM_003193.5(TBCE):c.884C>T (p.Pro295Leu)

Gene: TBCE (tubulin folding cofactor E; plus strand). Cytogenetic location: 1q42.3.
Variant type: single nucleotide variant.
Coding change: c.884C>T on transcript NM_003193.5 (MANE Select); coding-DNA position 884, C replaced by T.
Protein change: p.Pro295Leu; replaces proline 295 with leucine.
Molecular consequence: missense variant.
Genome position (GRCh38, 1-based): chr1:235,436,436, C>T. VCF-style: chr1-235436436-C-T. GRCh37 (hg19) VCF-style: chr1-235599751-C-T.
Other names: c.884C>T, p.Pro295Leu (NM_001079515.3); c.1037C>T, p.Pro346Leu (NM_001287801.2); c.545C>T, p.Pro182Leu (NM_001287802.2); short protein forms P346L, P295L, P182L.
Identifiers: ClinVar variation 1906374 (VCV001906374.3), dbSNP rs368104665, ClinGen allele CA1464235.
Genomic context (GRCh38, chr1:235,436,436, plus strand): 5'-TGAATTTCAGGTTAGAACAATTAATCCTCTCTGACACTGGAATTTCTTCTCTACATTTTC[C>T]GGATGCTGGAATTGGTATATAAGATTAGTAAAGTTCCCCACTGCCCCCCCACACTATACT-3'
Protein context (NP_003184.1, residues 285-305): SDTGISSLHF[Pro295Leu]DAGIGCKTSM

ClinVar aggregate classification (germline): Uncertain significance (1 of 4 stars; one submission).

Allele frequency attached by ClinVar (database versions not stated): ExAC 0.00002; gnomAD 0.00002; TOPMed 0.00004; ESP Exome Variant Server 0.00008.
gnomAD v4.1: 10 of 1,613,872 alleles (0.00062%); highest among the groups gnomAD compares: South Asian, 0.0022%; no homozygotes.

Submission:

Labcorp Genetics (formerly Invitae), Labcorp
Classification: Uncertain significance. Last evaluated: 2024-06-03. Review status: criteria provided, single submitter. Criteria: Invitae Variant Classification Sherloc (09022015). Collection method: clinical testing. Allele origin: germline.
Comment: This sequence change replaces proline, which is neutral and non-polar, with leucine, which is neutral and non-polar, at codon 295 of the TBCE protein (p.Pro295Leu). This variant is present in population databases (rs368104665, gnomAD 0.003%). This variant has not been reported in the literature in individuals affected with TBCE-related conditions. ClinVar contains an entry for this variant (Variation ID: 1906374). Advanced modeling of protein sequence and biophysical properties (such as structural, functional, and spatial information, amino acid conservation, physicochemical variation, residue mobility, and thermodynamic stability) has been performed at Invitae for this missense variant, however the output from this modeling did not meet the statistical confidence thresholds required to predict the impact of this variant on TBCE protein function. In summary, the available evidence is currently insufficient to determine the role of this variant in disease. Therefore, it has been classified as a Variant of Uncertain Significance.